The following is an entry in ClinVar:

ClinVar aggregate classification (germline): Uncertain significance (1 of 4 stars; one submission).

Submission:

Women's Health and Genetics/Laboratory Corporation of America, LabCorp
Classification: Uncertain significance. Last evaluated: 2025-10-17. Review status: criteria provided, single submitter. Criteria: LabCorp Variant Classification Summary - May 2015. Collection method: clinical testing. Allele origin: germline.
Comment: Variant summary: The variant involves the duplication of exons 7-11 in the SARS1 gene. A presumed nomenclature of c.(747+1_748-1)_(*295_?)dup has been designated for the purposes of this classification. This duplication includes the entire coding sequence of the gene. As exact breakpoints are unknown, it may extend beyond the annotated region of the gene, to include other flanking genes. A large duplication variant which includes exons 7-11 in the SARS1 gene (size ~9.8kbp) was found at a frequency of 0.00012 in 120506 control chromosomes in the gnomAD database (Structural Variants v4.1 dataset), including 2 (apparent) homozygotes. The homozygous occurrences, together with several heterozygotes in the control population suggest that similar large duplications may represent benign polymorphisms, although potential risk associations cannot be excluded. To our knowledge, no occurrence of c.(747+1_748-1)_(*295_?)dup in individuals affected with SARS1-related conditions and no experimental evidence demonstrating its impact on protein function have been reported. No submitters have cited clinical-significance assessments for this variant to ClinVar. Based on the evidence outlined above, the variant was classified as VUS-possibly benign.

NC_000001.10:g.(109774409_109777831)_(109780805_?)dup

Gene: SARS1 (seryl-tRNA synthetase 1; plus strand). Cytogenetic location: 1p13.3.
Variant type: Duplication.
Identifiers: ClinVar variation 4687215 (VCV004687215.1).